The following is an entry in ClinVar:

ClinVar aggregate classification (germline): Uncertain significance. Review status: criteria provided, multiple submitters, no conflicts (2 of 4 stars). 2 submissions from 2 submitters: Uncertain significance (2). Last evaluated 2025-06-28.

Conditions:
Cardiovascular phenotype. Identifiers: MedGen CN230736.
Myofibrillar myopathy 4. Also called: Zaspopathy (type). Identifiers: Orphanet 98912, MedGen C4721886, MONDO:0012277, OMIM 609452.

Allele frequency attached by ClinVar (database versions not stated): ExAC 0.00001; gnomAD 0.00001; TOPMed 0.00001.
gnomAD v4.1: 2 of 1,614,072 alleles (0.00012%); highest among the groups gnomAD compares: Non-Finnish European, 0.00017%; no homozygotes.

Submissions (2):

Ambry Genetics
Classification: Uncertain significance for Cardiovascular phenotype. Last evaluated: 2025-06-28. Review status: criteria provided, single submitter. Criteria: Ambry Variant Classification Scheme 2023. Collection method: clinical testing. Allele origin: germline.
Comment: The p.P290T variant (also known as c.868C>A), located in coding exon 6 of the LDB3 gene, results from a C to A substitution at nucleotide position 868. The proline at codon 290 is replaced by threonine, an amino acid with highly similar properties. This amino acid position is conserved. In addition, this alteration is predicted to be deleterious by in silico analysis. Based on the available evidence, the clinical significance of this variant remains unclear.

Labcorp Genetics (formerly Invitae), Labcorp
Classification: Uncertain significance for Myofibrillar myopathy 4. Last evaluated: 2025-05-21. Review status: criteria provided, single submitter. Criteria: Invitae Variant Classification Sherloc (09022015). Collection method: clinical testing. Allele origin: germline.
Comment: This sequence change replaces proline, which is neutral and non-polar, with threonine, which is neutral and polar, at codon 243 of the LDB3 protein (p.Pro243Thr). This variant is present in population databases (rs772318433, gnomAD 0.0009%). This variant has not been reported in the literature in individuals affected with LDB3-related conditions. ClinVar contains an entry for this variant (Variation ID: 2791898). An algorithm developed to predict the effect of missense changes on protein structure and function (PolyPhen-2) suggests that this variant is likely to be disruptive. In summary, the available evidence is currently insufficient to determine the role of this variant in disease. Therefore, it has been classified as a Variant of Uncertain Significance.

NM_007078.3(LDB3):c.868C>A (p.Pro290Thr)

Gene: LDB3 (LIM domain binding 3; plus strand). Cytogenetic location: 10q23.2.
Variant type: single nucleotide variant.
Coding change: c.868C>A on transcript NM_007078.3 (MANE Select); coding-DNA position 868, C replaced by A.
Protein change: p.Pro290Thr; replaces proline 290 with threonine.
Molecular consequence: missense variant.
Genome position (GRCh38, 1-based): chr10:86,692,543, C>A. VCF-style: chr10-86692543-C-A. GRCh37 (hg19) VCF-style: chr10-88452300-C-A.
Other names: c.727C>A, p.Pro243Thr (NM_001080114.2, NM_001080116.1, NM_001368066.1 and 2 more transcripts); c.868C>A, p.Pro290Thr (NM_001080115.2, NM_001368063.1, NM_001368064.1 and 1 more transcripts); c.1072C>A, p.Pro358Thr (NM_001171610.2, NM_001171611.2); short protein forms P358T, P243T, P290T.
Identifiers: ClinVar variation 2791898 (VCV002791898.4), dbSNP rs772318433, ClinGen allele CA5584931.